The following is an entry in ClinVar:

NM_001148.6(ANK2):c.4254C>T (p.Arg1418=)

Gene: ANK2 (ankyrin 2; plus strand). Cytogenetic location: 4q26.
Variant type: single nucleotide variant.
Coding change: c.4254C>T on transcript NM_001148.6 (MANE Select); coding-DNA position 4254, C replaced by T.
Protein change: p.Arg1418=; no amino-acid change (arginine 1418 retained).
Molecular consequence: synonymous variant.
Genome position (GRCh38, 1-based): chr4:113,345,905, C>T. VCF-style: chr4-113345905-C-T. GRCh37 (hg19) VCF-style: chr4-114267061-C-T.
Other names: c.4227C>T, p.Arg1409= (NM_001127493.3); c.4266C>T, p.Arg1422= (NM_001354225.2); c.4155C>T, p.Arg1385= (NM_001354228.2, NM_001354258.2); c.4233C>T, p.Arg1411= (NM_001354230.2); c.4296C>T, p.Arg1432= (NM_001354231.2, NM_001354242.2); c.4290C>T, p.Arg1430= (NM_001354232.2); c.4251C>T, p.Arg1417= (NM_001354235.2, NM_001354246.2, NM_001354265.2); c.4152C>T, p.Arg1384= (NM_001354236.2); and 31 more.
Identifiers: ClinVar variation 457037 (VCV000457037.12), dbSNP rs778974823, ClinGen allele CA3051031.
Genomic context (GRCh38, chr4:113,345,905, plus strand): 5'-AAGTAAATACTGCAAATCAAATGTGGGTGAAGCATGTATGTCTTTCTTGTTCAAGGTACG[C>T]GATACGACTCAGGAACCTTGCGGACGACTATCATTTATGAAGGAGCCAAAATCCACGAGA-3'
Protein context (NP_001139.3, residues 1408-1428): ENRLPLFVKV[Arg1418=]DTTQEPCGRL

ClinVar aggregate classification (germline): Likely benign. Review status: criteria provided, multiple submitters, no conflicts (2 of 4 stars). 3 submissions from 3 submitters: Likely benign (3). Last evaluated 2025-10-27.

Conditions:
Cardiovascular phenotype. Identifiers: MedGen CN230736.
Long QT syndrome (LQTS). Identifiers: MedGen C0023976, MeSH D008133, MONDO:0002442. Disease mechanism: loss of function. Inheritance: Various modes of inheritance.

Allele frequency attached by ClinVar (database versions not stated): gnomAD exomes 0.00001 and 0.00002; ExAC 0.00003; gnomAD 0.00004 and 0.00005; TOPMed 0.00006.
gnomAD v4.1: 23 of 1,613,178 alleles (0.0014%); highest among the groups gnomAD compares: African/African-American, 0.004%; no homozygotes.

Submissions (3):

Labcorp Genetics (formerly Invitae), Labcorp
Classification: Likely benign for Long QT syndrome. Last evaluated: 2025-10-27. Review status: criteria provided, single submitter. Criteria: Invitae Variant Classification Sherloc (09022015). Collection method: clinical testing. Allele origin: germline.

Ambry Genetics
Classification: Likely benign for Cardiovascular phenotype. Last evaluated: 2022-12-23. Review status: criteria provided, single submitter. Criteria: Ambry Variant Classification Scheme 2023. Collection method: clinical testing. Allele origin: germline.

Women's Health and Genetics/Laboratory Corporation of America, LabCorp
Classification: Likely benign. Last evaluated: 2018-07-16. Review status: criteria provided, single submitter. Criteria: LabCorp Variant Classification Summary - May 2015. Collection method: clinical testing. Allele origin: germline.
Comment: Variant summary: ANK2 c.4254C>T alters a non-conserved nucleotide resulting in a synonymous change. 5/5 computational tools predict no significant impact on normal splicing. However, these predictions have yet to be confirmed by functional studies. The variant allele was found at a frequency of 3.6e-05 in 276868 control chromosomes (gnomAD). The observed variant frequency is approximately 4-folds higher than the estimated maximal expected allele frequency for a pathogenic variant in ANK2 causing Arrhythmia phenotype (1e-05), strongly suggesting that the variant is benign. To our knowledge, no occurrence of c.4254C>T in individuals affected with Arrhythmia and no experimental evidence demonstrating its impact on protein function have been reported. A ClinVar submission from a clinical diagnostic laboratory (evaluation after 2014) cites the variant as "likely benign." Based on the evidence outlined above, the variant was classified as likely benign.